The following is an entry in ClinVar:

ClinVar aggregate classification (germline): Pathogenic (1 of 4 stars; one submission).

Conditions:
Hereditary breast ovarian cancer syndrome. Also called: Hereditary breast and/or ovarian cancer syndrome; Hereditary breast and ovarian cancer syndrome (HBOC); Breast and ovarian cancer; Hereditary breast and ovarian cancer syndrome; Hereditary breast and ovarian cancer; BRCA1- and BRCA2-Associated Hereditary Breast and Ovarian Cancer. Identifiers: Orphanet 145, MedGen C0677776, MeSH D061325, MONDO:0003582. Disease mechanism: loss of function.

Submission:

Labcorp Genetics (formerly Invitae), Labcorp
Classification: Pathogenic for Hereditary breast ovarian cancer syndrome. Last evaluated: 2025-03-02. Review status: criteria provided, single submitter. Criteria: Invitae Variant Classification Sherloc (09022015). Collection method: clinical testing. Allele origin: germline.
Comment: This sequence change creates a premature translational stop signal (p.Ala2582Valfs*66) in the BRCA2 gene. It is expected to result in an absent or disrupted protein product. Loss-of-function variants in BRCA2 are known to be pathogenic (PMID: 20104584). This variant is not present in population databases (gnomAD no frequency). This variant has not been reported in the literature in individuals affected with BRCA2-related conditions. ClinVar contains an entry for this variant (Variation ID: 2707212). For these reasons, this variant has been classified as Pathogenic.

Literature cited by the submitters: PubMed 20104584.

NM_000059.4(BRCA2):c.7745del (p.Ala2582fs)

Gene: BRCA2 (BRCA2 DNA repair associated; plus strand). Cytogenetic location: 13q13.1.
Variant type: Deletion.
Coding change: c.7745del on transcript NM_000059.4 (MANE Select); coding-DNA position 7745, one base deleted (C; older notation c.7745delC).
Protein change: p.Ala2582fs; shifts the reading frame from alanine 2582.
Molecular consequence: frameshift variant. On other transcripts: non-coding transcript variant (1).
Genome position (GRCh38, 1-based): chr13:32,357,869, C deleted. VCF-style (leftmost placement, unchanged base first): chr13-32357868-GC-G. GRCh37 (hg19) VCF-style: chr13-32932005-GC-G.
Other names: c.7649del, p.Ala2550fs (NM_001406719.1); c.7745del, p.Ala2582fs (NM_001406720.1); c.2813del, p.Ala938fs (NM_001406721.1); c.1328del, p.Ala443fs (NM_001406722.1); short protein forms A2550fs, A2582fs, A443fs, A938fs.
Identifiers: ClinVar variation 2707212 (VCV002707212.3), dbSNP rs2548542675, ClinGen allele CA2697551788.